The following is an entry in ClinVar:

NM_023110.3(FGFR1):c.831dup (p.Lys278Ter)

Gene: FGFR1 (fibroblast growth factor receptor 1; minus strand). Cytogenetic location: 8p11.23.
Variant type: Duplication.
Coding change: c.831dup on transcript NM_023110.3 (MANE Select); coding-DNA position 831, one base duplicated (T; older notation c.831dupT).
Protein change: p.Lys278Ter; replaces lysine 278 with a stop codon.
Molecular consequence: nonsense.
Genome position (GRCh38, 1-based): chr8:38,424,614, A duplicated on the plus strand (T on the coding strand, the reverse complement: FGFR1 is on the minus strand). VCF-style (leftmost placement, unchanged base first): chr8-38424613-T-TA. GRCh37 (hg19) VCF-style: chr8-38282131-T-TA.
Other names: c.831dup, p.Lys278Ter (NM_001174063.2); c.807dup, p.Lys270Ter (NM_001174064.2); c.825dup, p.Lys276Ter (NM_001174065.2, NM_001354367.2, NM_001354369.2 and 2 more transcripts); c.564dup, p.Lys189Ter (NM_001174066.2, NM_023105.3); c.924dup, p.Lys309Ter (NM_001174067.2); c.558dup, p.Lys187Ter (NM_001354368.2, NM_001354370.2, NM_023106.3); short protein forms K270*, K187*, K276*, K278*, K189*, K309*.
Identifiers: ClinVar variation 4785627 (VCV004785627.1).

ClinVar aggregate classification (germline): Pathogenic (1 of 4 stars; one submission).

Conditions:
Pfeiffer syndrome (ACS5). Also called: ACS V. Identifiers: Orphanet 710, MedGen C0220658, MONDO:0007043, OMIM 101600.
Hypogonadotropic hypogonadism 2 with or without anosmia (HH2). Also called: FGFR1-Related GnRH Deficiency (Kallmann Syndrome 2); HYPOGONADOTROPIC HYPOGONADISM 2 WITH OR WITHOUT ANOSMIA, SUSCEPTIBILITY TO; HYPOGONADOTROPIC HYPOGONADISM 2 WITHOUT ANOSMIA, SUSCEPTIBILITY TO; HYPOGONADOTROPIC HYPOGONADISM 2 WITHOUT ANOSMIA. Identifiers: Orphanet 478, MedGen C1563720, MONDO:0007844, OMIM 147950. Disease mechanism: loss of function.

Submission:

Labcorp Genetics (formerly Invitae), Labcorp
Classification: Pathogenic for Pfeiffer syndrome; Hypogonadotropic hypogonadism 2 with or without anosmia. Last evaluated: 2025-07-20. Review status: criteria provided, single submitter. Criteria: Invitae Variant Classification Sherloc (09022015). Collection method: clinical testing. Allele origin: germline.
Comment: This sequence change creates a premature translational stop signal (p.Lys278*) in the FGFR1 gene. It is expected to result in an absent or disrupted protein product. Loss-of-function variants in FGFR1 are known to be pathogenic (PMID: 12627230). This variant is not present in population databases (gnomAD no frequency). This variant has not been reported in the literature in individuals affected with FGFR1-related conditions. For these reasons, this variant has been classified as Pathogenic.

Literature cited by the submitters: PubMed 12627230.